The following is an entry in ClinVar:

ClinVar aggregate classification (germline): Uncertain significance (1 of 4 stars; one submission).

Submission:

GeneDx
Classification: Uncertain significance. Last evaluated: 2026-04-21. Review status: criteria provided, single submitter. Criteria: GeneDx Variant Classification Process June 2021. Collection method: clinical testing. Allele origin: germline.
Comment: Reported as de novo in a patient in published literature from a cohort of individuals with autism spectrum disorder; however, detailed clinical information was not provided, and the patient harbored additional de novo variants (PMID: 35982160); Not observed at significant frequency in large population cohorts (gnomAD); In silico analysis supports that this missense variant has a deleterious effect on protein structure/function; This variant is associated with the following publications: (PMID: 35982160, 35982159, 38958063, Paul2024[Abstract])

NM_001256627.2(BRSK2):c.196G>A (p.Glu66Lys)

Gene: BRSK2 (BR serine/threonine kinase 2; plus strand). Cytogenetic location: 11p15.5.
Variant type: single nucleotide variant.
Coding change: c.196G>A on transcript NM_001256627.2 (MANE Select); coding-DNA position 196, G replaced by A.
Protein change: p.Glu66Lys; replaces glutamic acid 66 with lysine.
Molecular consequence: missense variant. On other transcripts: non-coding transcript variant (1).
Genome position (GRCh38, 1-based): chr11:1,438,315, G>A. VCF-style: chr11-1438315-G-A. GRCh37 (hg19) VCF-style: chr11-1459545-G-A.
Other names: c.16G>A, p.Glu6Lys (NM_001440674.1, NM_001440675.1, NM_001440676.1 and 5 more transcripts); c.196G>A, p.Glu66Lys (NM_003957.4, NM_001256629.2, NM_001440665.1 and 3 more transcripts); c.334G>A, p.Glu112Lys (NM_001256630.1, NM_001440667.1); short protein forms E112K, E66K, E6K.
Identifiers: ClinVar variation 5036901 (VCV005036901.1).